The following is an entry in ClinVar:

NM_017802.4(DNAAF5):c.190G>A (p.Ala64Thr)

Genes: DNAAF5 (dynein axonemal assembly factor 5; plus strand), PRKAR1B (protein kinase cAMP-dependent type I regulatory subunit beta; minus strand), LOC129997730 (ATAC-STARR-seq lymphoblastoid silent region 17816; plus strand). Cytogenetic location: 7p22.3.
Variant type: single nucleotide variant.
Coding change: c.190G>A on transcript NM_017802.4 (MANE Select); coding-DNA position 190, G replaced by A.
Protein change: p.Ala64Thr; replaces alanine 64 with threonine.
Molecular consequence: missense variant. On other transcripts: non-coding transcript variant (1), intron variant (3).
Genome position (GRCh38, 1-based): chr7:726,910, G>A. VCF-style: chr7-726910-G-A. GRCh37 (hg19) VCF-style: chr7-766547-G-A.
Other names: c.-23+745C>T (NM_001164759.1); c.-23+680C>T (NM_001164758.2); c.-23+300C>T (NM_001164760.2); short protein forms A64T.
Identifiers: ClinVar variation 1782482 (VCV001782482.2), dbSNP rs1353152566, ClinGen allele CA366529934.

ClinVar aggregate classification (germline): Uncertain significance (1 of 4 stars; one submission).

Conditions:
Primary ciliary dyskinesia. Also called: Ciliary dyskinesia. Identifiers: Orphanet 244, MedGen C0008780, MONDO:0016575, HP:0012265.

Allele frequency attached by ClinVar (database versions not stated): gnomAD exomes below 0.00001.

Submission:

Ambry Genetics
Classification: Uncertain significance for Primary ciliary dyskinesia. Last evaluated: 2021-07-12. Review status: criteria provided, single submitter. Criteria: Ambry Variant Classification Scheme 2023. Collection method: clinical testing. Allele origin: germline.
Comment: The p.A64T variant (also known as c.190G>A), located in coding exon 1 of the DNAAF5 gene, results from a G to A substitution at nucleotide position 190. The alanine at codon 64 is replaced by threonine, an amino acid with similar properties. This amino acid position is conserved. In addition, this alteration is predicted to be tolerated by in silico analysis. Since supporting evidence is limited at this time, the clinical significance of this alteration remains unclear.